The following is an entry in ClinVar:

NM_007055.4(POLR3A):c.2710G>T (p.Gly904Ter)

Gene: POLR3A (RNA polymerase III subunit A; minus strand). Cytogenetic location: 10q22.3.
Variant type: single nucleotide variant.
Coding change: c.2710G>T on transcript NM_007055.4 (MANE Select); coding-DNA position 2710, G replaced by T.
Protein change: p.Gly904Ter; replaces glycine 904 with a stop codon.
Molecular consequence: nonsense.
Genome position (GRCh38, 1-based): chr10:77,993,274, C>A on the plus strand (G>T on the coding strand, the complement: POLR3A is on the minus strand). VCF-style: chr10-77993274-C-A. GRCh37 (hg19) VCF-style: chr10-79753032-C-A.
Other names: NM_007055.4:c.2710G>T; short protein forms G904*.
Identifiers: ClinVar variation 2412671 (VCV002412671.2), dbSNP rs748548960, ClinGen allele CA377334248.
Genomic context (GRCh38, chr10:77,993,274, plus strand): 5'-CCCTTTTAAACTCCAAAGGTTCATCTTTTCCCTCCATAGCTGCAGGATCTAAGCCATCTC[C>A]TCCATAAATGAACTGGATAATATCGCCAGTAGAGCTTCGGACTGTCAGATCATACTGGGA-3'

ClinVar aggregate classification (germline): Pathogenic/Likely pathogenic. Review status: criteria provided, multiple submitters, no conflicts (2 of 4 stars). 2 submissions from 2 submitters: Pathogenic (1); Likely pathogenic (1). Last evaluated 2024-08-19.

Conditions:
Leukodystrophy. Identifiers: Orphanet 68356, MedGen C0023520, MONDO:0019046, HP:0002415.
POLR3A-related disorder. Also called: POLR3A-related disorders; POLR3A-related condition. Identifiers: MedGen CN378587, MONDO:0700276.

Allele frequency attached by ClinVar (database versions not stated): gnomAD exomes 0.00001.
gnomAD v4.1: 8 of 1,613,144 alleles (0.0005%); highest among the groups gnomAD compares: Non-Finnish European, 0.00068%; no homozygotes.

Submissions (2):

Greenwood Genetic Center Diagnostic Laboratories, Greenwood Genetic Center
Classification: Likely pathogenic for POLR3A-related disorder. Last evaluated: 2024-08-19. Review status: criteria provided, single submitter. Criteria: ACMG Guidelines, 2015. Collection method: clinical testing. Allele origin: germline. Affected: yes.
Comment: PVS1, PM2

Broad Center for Mendelian Genomics, Broad Institute of MIT and Harvard
Classification: Pathogenic for Leukodystrophy. Last evaluated: 2023-01-24. Review status: criteria provided, single submitter. Criteria: ACMG Guidelines, 2015. Collection method: curation. Allele origin: germline. Inheritance: Autosomal recessive inheritance.
Comment: The p.Gly904Ter variant in POLR3A has been reported in 1 individual, in the compound heterozygous state, with POLR3A-related disorders (PMID: 28459997) and has been identified in 0.001% (2/113590) of European (non-Finnish) chromosomes by the Genome Aggregation Database (gnomAD; dbSNP ID: rs748548960). Although this variant has been seen in the general population in a heterozygous state, its frequency is low enough to be consistent with a recessive carrier frequency. This nonsense variant leads to a premature termination codon at position 904, which is predicted to lead to a truncated or absent protein. Loss of function of the POLR3A gene is an established disease mechanism in autosomal recessive POLR3A-related disorders. In summary, this variant meets criteria to be classified as pathogenic for autosomal recessive POLR3A-related disorders. ACMG/AMP Criteria applied: PVS1, PM2_supporting, PM3_supporting (Richards 2015).